The following is an entry in ClinVar:

ClinVar aggregate classification (germline): Pathogenic. Review status: criteria provided, single submitter (1 of 4 stars). 2 submissions from 2 submitters: Pathogenic (1). 1 of the submissions does not count toward it. Last evaluated 2023-09-03.

Conditions:
Nemaline myopathy 2 (NEM2). Also called: Nemaline myopathy 2, autosomal recessive. Identifiers: MedGen C1850569, MONDO:0009725, OMIM 256030.

Submissions (2):

Labcorp Genetics (formerly Invitae), Labcorp
Classification: Pathogenic for Nemaline myopathy 2. Last evaluated: 2023-09-03. Review status: criteria provided, single submitter. Criteria: Invitae Variant Classification Sherloc (09022015). Collection method: clinical testing. Allele origin: germline.
Comment: For these reasons, this variant has been classified as Pathogenic. Algorithms developed to predict the effect of sequence changes on RNA splicing suggest that this variant may disrupt the consensus splice site. ClinVar contains an entry for this variant (Variation ID: 551902). This variant has not been reported in the literature in individuals affected with NEB-related conditions. This variant is not present in population databases (gnomAD no frequency). This sequence change creates a premature translational stop signal (p.Tyr7107*) in the NEB gene. It is expected to result in an absent or disrupted protein product. Loss-of-function variants in NEB are known to be pathogenic (PMID: 25205138).

Counsyl
Classification: Likely pathogenic for Nemaline myopathy 2. Last evaluated: 2017-05-22. Review status: no assertion criteria provided. Collection method: clinical testing. Allele origin: unknown. Not counted in ClinVar's aggregate classification.

Literature cited by the submitters: PubMed 25205138 (cited by Labcorp Genetics (formerly Invitae), Labcorp); PubMed 22941678 (cited by Counsyl).

NM_001164507.2(NEB):c.21321C>G (p.Tyr7107Ter)

Genes: NEB (nebulin; minus strand), RIF1 (replication timing regulatory factor 1; plus strand). Cytogenetic location: 2q23.3.
Variant type: single nucleotide variant.
Coding change: c.21321C>G on transcript NM_001164507.2 (MANE Plus Clinical); coding-DNA position 21321, C replaced by G.
Protein change: p.Tyr7107Ter; replaces tyrosine 7107 with a stop codon.
Molecular consequence: nonsense. On other transcripts: intron variant (1).
Genome position (GRCh38, 1-based): chr2:151,534,311, G>C on the plus strand (C>G on the coding strand, the complement: NEB is on the minus strand). VCF-style: chr2-151534311-G-C. GRCh37 (hg19) VCF-style: chr2-152390825-G-C.
Other names: c.21321C>G, p.Tyr7107Ter (NM_001271208.2); c.16218C>G, p.Tyr5406Ter (NM_004543.5); c.21313-765C>G (NM_001164508.2); short protein forms Y7107*, Y5406*.
Identifiers: ClinVar variation 551902 (VCV000551902.5), dbSNP rs1553679273, ClinGen allele CA348772526.